The following is an entry in ClinVar:

NM_006136.3(CAPZA2):c.776G>T (p.Arg259Leu)

Gene: CAPZA2 (capping actin protein of muscle Z-line subunit alpha 2; plus strand). Cytogenetic location: 7q31.2.
Variant type: single nucleotide variant.
Coding change: c.776G>T on transcript NM_006136.3 (MANE Select); coding-DNA position 776, G replaced by T.
Protein change: p.Arg259Leu; replaces arginine 259 with leucine.
Molecular consequence: missense variant.
Genome position (GRCh38, 1-based): chr7:116,917,782, G>T. VCF-style: chr7-116917782-G-T. GRCh37 (hg19) VCF-style: chr7-116557836-G-T.
Other names: short protein forms R259L.
Identifiers: ClinVar variation 830216 (VCV000830216.4), dbSNP rs1791701248, ClinGen allele CA369118852.

ClinVar aggregate classification (germline): Conflicting classifications of pathogenicity. Review status: criteria provided, conflicting classifications (1 of 4 stars). 3 submissions from 3 submitters: Pathogenic (1); Uncertain significance (1). 1 of the submissions does not count toward it. Last evaluated 2022-02-16.

Conditions:
Intellectual disability. Also called: Intellectual developmental disorder; Intellectual functioning disability; intellectual disabilities. Identifiers: MedGen C3714756, MeSH D008607, MONDO:0001071, HP:0001249.

Submissions (3):

GeneDx
Classification: Uncertain significance. Last evaluated: 2022-02-16. Review status: criteria provided, single submitter. Criteria: GeneDx Variant Classification Process June 2021. Collection method: clinical testing. Allele origin: germline. Affected: yes.
Comment: Reported as de novo in and individual with intellectual disability and developmental delay (Huang et al., 2020); Not observed at significant frequency in large population cohorts (gnomAD); In silico analysis supports that this missense variant has a deleterious effect on protein structure/function; Variants in candidate genes are classified as variants of uncertain significance in accordance with ACMG guidelines (Richards et al., 2015); This variant is associated with the following publications: (PMID: 31785789, 32338762)

Department of Medical Genetics, Hunan Provincial Maternal and Child Health Care Hospital
Classification: Pathogenic for Intellectual disability. Last evaluated: 2020-03-25. Review status: criteria provided, single submitter. Criteria: ACMG Guidelines, 2015. Collection method: clinical testing. Allele origin: de novo. Inheritance: Sporadic. Affected: yes. Observed: 1 variant allele, 1 heterozygote.
Comment: This variant exerted loss of function effect in Drosophila.

OMIM
Classification: Uncertain significance for VARIANT OF UNKNOWN SIGNIFICANCE. Last evaluated: 2021-11-18. Review status: no assertion criteria provided. Collection method: literature only. Allele origin: germline. Not counted in ClinVar's aggregate classification.

Literature cited by the submitters: PubMed 32338762 (cited by OMIM).